The following is an entry in ClinVar:

NM_001061.7(TBXAS1):c.652G>A (p.Glu218Lys)

Gene: TBXAS1 (thromboxane A synthase 1; plus strand). Cytogenetic location: 7q34.
Variant type: single nucleotide variant.
Coding change: c.652G>A on transcript NM_001061.7 (MANE Select); coding-DNA position 652, G replaced by A.
Protein change: p.Glu218Lys; replaces glutamic acid 218 with lysine.
Molecular consequence: missense variant.
Genome position (GRCh38, 1-based): chr7:139,955,571, G>A. VCF-style: chr7-139955571-G-A. GRCh37 (hg19) VCF-style: chr7-139655370-G-A.
Other names: c.655G>A (NM_030984.2, NM_001061.4); c.652G>A, p.Glu218Lys (NM_001130966.5, NM_030984.6); c.790G>A, p.Glu264Lys (NM_001166253.4); c.451G>A, p.Glu151Lys (NM_001166254.4); c.595G>A, p.Glu199Lys (NM_001314028.4); c.469G>A, p.Glu157Lys (NM_001366537.3); short protein forms E151K, E157K, E199K, E218K, E219K, E264K, E265K.
Identifiers: ClinVar variation 3769472 (VCV003769472.4).

ClinVar aggregate classification (germline): Uncertain significance. Review status: criteria provided, multiple submitters, no conflicts (2 of 4 stars). 3 submissions from 3 submitters: Uncertain significance (3). Last evaluated 2025-01-23.

Conditions:
Inborn genetic diseases. Identifiers: MedGen C0950123, MeSH D030342.
Ghosal hematodiaphyseal dysplasia. Also called: Ghosal hematodiaphyseal syndrome. Identifiers: Orphanet 1802, MedGen C1856465, MONDO:0009274, OMIM 231095.

gnomAD v4.1: 9 of 1,614,018 alleles (0.00056%); highest among the groups gnomAD compares: Middle Eastern, 0.033%; no homozygotes.

Submissions (3):

Women's Health and Genetics/Laboratory Corporation of America, LabCorp
Classification: Uncertain significance. Last evaluated: 2025-01-23. Review status: criteria provided, single submitter. Criteria: LabCorp Variant Classification Summary - May 2015. Collection method: clinical testing. Allele origin: germline.
Comment: Variant summary: TBXAS1 c.652G>A (p.Glu218Lys) results in a conservative amino acid change in the encoded protein sequence. Five of five in-silico tools predict a benign effect of the variant on protein function. The variant allele was found at a frequency of 8e-06 in 251426 control chromosomes. The available data on variant occurrences in the general population are insufficient to allow any conclusion about variant significance. To our knowledge, no occurrence of c.652G>A in individuals affected with Ghosal Hematodiaphyseal Dysplasia and no experimental evidence demonstrating its impact on protein function have been reported. No submitters have cited clinical-significance assessments for this variant to ClinVar. Based on the evidence outlined above, the variant was classified as uncertain significance.

Ambry Genetics
Classification: Uncertain significance for Inborn genetic diseases. Last evaluated: 2024-12-25. Review status: criteria provided, single submitter. Criteria: Ambry Variant Classification Scheme 2023. Collection method: clinical testing. Allele origin: germline.

Daryl Scott Lab, Baylor College of Medicine
Classification: Uncertain significance for Ghosal hematodiaphyseal dysplasia. Review status: criteria provided, single submitter. Criteria: ACMG Guidelines, 2015. Collection method: clinical testing. Allele origin: paternal. Affected: yes. Observed: 1 compound heterozygote.
Comment: PM2